The following is an entry in ClinVar:

NM_032634.4(PIGO):c.283C>T (p.Pro95Ser)

Gene: PIGO (phosphatidylinositol glycan anchor biosynthesis class O; minus strand). Cytogenetic location: 9p13.3.
Variant type: single nucleotide variant.
Coding change: c.283C>T on transcript NM_032634.4 (MANE Select); coding-DNA position 283, C replaced by T.
Protein change: p.Pro95Ser; replaces proline 95 with serine.
Molecular consequence: missense variant.
Genome position (GRCh38, 1-based): chr9:35,095,283, G>A on the plus strand (C>T on the coding strand, the complement: PIGO is on the minus strand). VCF-style: chr9-35095283-G-A. GRCh37 (hg19) VCF-style: chr9-35095280-G-A.
Other names: c.283C>T (NM_032634.3); c.283C>T, p.Pro95Ser (NM_001201484.2, NM_152850.4); short protein forms P95S.
Identifiers: ClinVar variation 2042399 (VCV002042399.4), dbSNP rs753828709, ClinGen allele CA5040978.

ClinVar aggregate classification (germline): Uncertain significance. Review status: criteria provided, multiple submitters, no conflicts (2 of 4 stars). 2 submissions from 2 submitters: Uncertain significance (2). Last evaluated 2024-05-07.

Conditions:
Inborn genetic diseases. Identifiers: MedGen C0950123, MeSH D030342.
Hyperphosphatasia with impaired intellectual development syndrome 2. Also called: GLYCOSYLPHOSPHATIDYLINOSITOL BIOSYNTHESIS DEFECT 6; Hyperphosphatasia with intellectual disability syndrome 2. Identifiers: Orphanet 247262, MedGen C3553637, MONDO:0013882, OMIM 614749.

Allele frequency attached by ClinVar (database versions not stated): TOPMed 0.00002; gnomAD exomes 0.00001; ExAC 0.00004.
gnomAD v4.1: 7 of 1,614,158 alleles (0.00043%); highest among the groups gnomAD compares: Admixed American, 0.012%; no homozygotes.

Submissions (2):

Ambry Genetics
Classification: Uncertain significance for Inborn genetic diseases. Last evaluated: 2024-05-07. Review status: criteria provided, single submitter. Criteria: Ambry Variant Classification Scheme 2023. Collection method: clinical testing. Allele origin: germline.

Labcorp Genetics (formerly Invitae), Labcorp
Classification: Uncertain significance for Hyperphosphatasia with impaired intellectual development syndrome 2. Last evaluated: 2022-06-13. Review status: criteria provided, single submitter. Criteria: Invitae Variant Classification Sherloc (09022015). Collection method: clinical testing. Allele origin: germline.
Comment: Algorithms developed to predict the effect of missense changes on protein structure and function output the following: SIFT: "Deleterious"; PolyPhen-2: "Benign"; Align-GVGD: "Class C0". The serine amino acid residue is found in multiple mammalian species, which suggests that this missense change does not adversely affect protein function. In summary, the available evidence is currently insufficient to determine the role of this variant in disease. Therefore, it has been classified as a Variant of Uncertain Significance. This variant has not been reported in the literature in individuals affected with PIGO-related conditions. This variant is present in population databases (rs753828709, gnomAD 0.02%). This sequence change replaces proline, which is neutral and non-polar, with serine, which is neutral and polar, at codon 95 of the PIGO protein (p.Pro95Ser).